The following is an entry in ClinVar:

ClinVar aggregate classification (germline): Benign/Likely benign. Review status: criteria provided, multiple submitters, no conflicts (2 of 4 stars). 4 submissions from 3 submitters: Benign (1); Likely benign (2). 1 of the submissions does not count toward it. Last evaluated 2026-01-18.

Conditions:
Spondylocostal dysostosis 1, autosomal recessive (SCDO1). Also called: DLL3-Related Spondylocostal Dysostosis, Autosomal Recessive. Identifiers: Orphanet 2311, MedGen CN032975, MONDO:0020692, OMIM 277300.
Syndactyly. Also called: Webbed fingers or toes. Identifiers: MedGen C0039075, MONDO:0021002, HP:0001159.
DLL3-related disorder. Also called: DLL3-related condition.

Allele frequency attached by ClinVar (database versions not stated): TOPMed 0.00047; gnomAD 0.00050 and 0.00053; gnomAD exomes 0.00112; ExAC 0.00213.
gnomAD v4.1: 744 of 1,569,340 alleles (0.047%); highest among the groups gnomAD compares: Non-Finnish European, 0.0065%; 8 homozygotes.

Submissions (4):

Labcorp Genetics (formerly Invitae), Labcorp
Classification: Benign. Last evaluated: 2026-01-18. Review status: criteria provided, single submitter. Criteria: Invitae Variant Classification Sherloc (09022015). Collection method: clinical testing. Allele origin: germline.

Illumina Laboratory Services, Illumina
Classification: Likely benign for Non-syndromic syndactyly. Last evaluated: 2018-01-12. Review status: criteria provided, single submitter. Criteria: ICSL Variant Classification Criteria 13 December 2019. Collection method: clinical testing. Allele origin: germline.
Comment: This variant was observed in the ICSL laboratory as part of a predisposition screen in an ostensibly healthy population. It had not been previously curated by ICSL or reported in the Human Gene Mutation Database (HGMD: prior to June 1st, 2018), and was therefore a candidate for classification through an automated scoring system. Utilizing variant allele frequency, disease prevalence and penetrance estimates, and inheritance mode, an automated score was calculated to assess if this variant is too frequent to cause the disease. Based on the score and internal cut-off values, a variant classified as likely benign is not then subjected to further curation. The score for this variant resulted in a classification of likely benign for this disease.

Illumina Laboratory Services, Illumina
Classification: Likely benign for Spondylocostal dysostosis 1, autosomal recessive. Last evaluated: 2018-01-12. Review status: criteria provided, single submitter. Criteria: ICSL Variant Classification Criteria 13 December 2019. Collection method: clinical testing. Allele origin: germline.
Comment: the same text as in the submission from Illumina Laboratory Services, Illumina above.

PreventionGenetics, part of Exact Sciences
Classification: Benign for DLL3-related condition. Last evaluated: 2019-07-10. Review status: no assertion criteria provided. Collection method: clinical testing. Allele origin: germline. Not counted in ClinVar's aggregate classification.
Comment: This variant is classified as benign based on ACMG/AMP sequence variant interpretation guidelines (Richards et al. 2015 PMID: 25741868, with internal and published modifications).

NM_203486.3(DLL3):c.1388G>T (p.Arg463Leu)

Gene: DLL3 (delta like canonical Notch ligand 3; plus strand). Cytogenetic location: 19q13.2.
Variant type: single nucleotide variant.
Coding change: c.1388G>T on transcript NM_203486.3 (MANE Select); coding-DNA position 1388, G replaced by T.
Protein change: p.Arg463Leu; replaces arginine 463 with leucine.
Molecular consequence: missense variant.
Genome position (GRCh38, 1-based): chr19:39,507,333, G>T. VCF-style: chr19-39507333-G-T. GRCh37 (hg19) VCF-style: chr19-39997973-G-T.
Other names: c.1388G>T, p.Arg463Leu (NM_016941.4); short protein forms R463L.
Identifiers: ClinVar variation 764837 (VCV000764837.15), dbSNP rs758148689, ClinGen allele CA9432430.